The following is an entry in ClinVar:

NM_001355436.2(SPTB):c.4181G>A (p.Trp1394Ter)

Gene: SPTB (spectrin beta, erythrocytic; minus strand). Cytogenetic location: 14q23.3.
Variant type: single nucleotide variant.
Coding change: c.4181G>A on transcript NM_001355436.2 (MANE Select); coding-DNA position 4181, G replaced by A.
Protein change: p.Trp1394Ter; replaces tryptophan 1394 with a stop codon.
Molecular consequence: nonsense.
Genome position (GRCh38, 1-based): chr14:64,782,375, C>T on the plus strand (G>A on the coding strand, the complement: SPTB is on the minus strand). VCF-style: chr14-64782375-C-T. GRCh37 (hg19) VCF-style: chr14-65249093-C-T.
Other names: c.4181G>A, p.Trp1394Ter (NM_001024858.4, NM_001355437.2); short protein forms W1394*.
Identifiers: ClinVar variation 4695101 (VCV004695101.2).
Genomic context (GRCh38, chr14:64,782,375, plus strand): 5'-ACACTGGTCAGGTCCTTGCCCGGGTCGTCTGACCGCAGCTGGTCCTCCATGGCGCTGATC[C>T]ACTTGTTGAGGTCAGCATGGGTCTGCAAGCGCAGGTCGGAGCTCCTGGCAGCCGAGAGGT-3'

ClinVar aggregate classification (germline): Pathogenic. Review status: criteria provided, multiple submitters, no conflicts (2 of 4 stars). 2 submissions from 2 submitters: Pathogenic (2). Last evaluated 2025-04-10.

Conditions:
SPTB-related disorder. Also called: SPTB-related condition; SPTB-Related Disorders.

Submissions (2):

Labcorp Genetics (formerly Invitae), Labcorp
Classification: Pathogenic. Last evaluated: 2025-04-10. Review status: criteria provided, single submitter. Criteria: Invitae Variant Classification Sherloc (09022015). Collection method: clinical testing. Allele origin: germline.
Comment: This sequence change creates a premature translational stop signal (p.Trp1394*) in the SPTB gene. It is expected to result in an absent or disrupted protein product. Loss-of-function variants in SPTB are known to be pathogenic (PMID: 1391962, 1498324, 8844207, 26830532, 27292444). This variant is not present in population databases (gnomAD no frequency). This premature translational stop signal has been observed in individual(s) with autosomal dominant spherocytosis (PMID: 31807509, 32436265). For these reasons, this variant has been classified as Pathogenic.

Blueprint Genetics
Classification: Pathogenic for SPTB-related disorders. Last evaluated: 2020-08-28. Review status: criteria provided, single submitter. Criteria: ACMG Guidelines, 2015. Collection method: clinical testing. Allele origin: germline. Affected: yes. Observed: 2 variant alleles.

Literature cited by the submitters: PubMed 1391962 (cited by Labcorp Genetics (formerly Invitae), Labcorp); PubMed 1498324 (cited by Labcorp Genetics (formerly Invitae), Labcorp); PubMed 8844207 (cited by Labcorp Genetics (formerly Invitae), Labcorp); PubMed 26830532 (cited by Labcorp Genetics (formerly Invitae), Labcorp); PubMed 27292444 (cited by Labcorp Genetics (formerly Invitae), Labcorp); PubMed 31807509 (cited by Labcorp Genetics (formerly Invitae), Labcorp); PubMed 32436265 (cited by Labcorp Genetics (formerly Invitae), Labcorp).